The following is an entry in ClinVar:

NM_001370259.2(MEN1):c.446-12C>T

Gene: MEN1 (menin 1; minus strand). Cytogenetic location: 11q13.1.
Variant type: single nucleotide variant.
Coding change: c.446-12C>T on transcript NM_001370259.2 (MANE Select); 12 bases into the intron before coding-DNA position 446, C replaced by T.
Molecular consequence: intron variant.
Genome position (GRCh38, 1-based): chr11:64,808,111, G>A on the plus strand (C>T on the coding strand, the complement: MEN1 is on the minus strand). VCF-style: chr11-64808111-G-A. GRCh37 (hg19) VCF-style: chr11-64575583-G-A.
Other names: c.446-12C>T (NM_130799.2, NM_130799.3, NM_001370260.2 and 4 more transcripts); c.461-12C>T (NM_130804.3, NM_130803.3, NM_000244.4 and 3 more transcripts).
Identifiers: ClinVar variation 1615959 (VCV001615959.11), dbSNP rs369411199, ClinGen allele CA1978893613.
Genomic context (GRCh38, chr11:64,808,111, plus strand): 5'-CAGGCCCCAACCACAGCAAAGGCCACACCGGAGCTGTCCAATTTGGTGCCTGTGGAAGGG[G>A]GAGGTAATGAAAGAGGGTCCTCTGTGCTTTAACATGGGGAAAGGGGGCCAGGTAGTGATG-3'

ClinVar aggregate classification (germline): Likely benign. Review status: criteria provided, multiple submitters, no conflicts (2 of 4 stars). 3 submissions from 3 submitters: Likely benign (3). Last evaluated 2024-11-01.

Conditions:
Multiple endocrine neoplasia, type 1 (MEN1). Also called: MEA I; MEN I; WERMER SYNDROME; Endocrine adenomatosis multiple; MEN 1. Identifiers: Orphanet 652, MedGen C0025267, MeSH D018761, MONDO:0007540, OMIM 131100.

Allele frequency attached by ClinVar (database versions not stated): gnomAD exomes below 0.00001; TOPMed below 0.00001.
gnomAD v4.1: 1 of 1,599,584 alleles (0.000063%); highest among the groups gnomAD compares: East Asian, 0.0023%; no homozygotes.

Submissions (3):

Myriad Genetics, Inc.
Classification: Likely benign for Multiple endocrine neoplasia, type 1. Last evaluated: 2024-11-01. Review status: criteria provided, single submitter. Criteria: Myriad Autosomal Dominant, Autosomal Recessive and X-Linked Classification Criteria (2023). Collection method: clinical testing. Allele origin: unknown.
Comment: This variant is considered likely benign. This variant is intronic and is not expected to impact mRNA splicing.

Color Diagnostics, LLC DBA Color Health
Classification: Likely benign for Multiple endocrine neoplasia, type 1. Last evaluated: 2023-09-25. Review status: criteria provided, single submitter. Criteria: ACMG Guidelines, 2015. Collection method: clinical testing. Allele origin: germline.

Labcorp Genetics (formerly Invitae), Labcorp
Classification: Likely benign for Multiple endocrine neoplasia, type 1. Last evaluated: 2023-09-21. Review status: criteria provided, single submitter. Criteria: Invitae Variant Classification Sherloc (09022015). Collection method: clinical testing. Allele origin: germline.